The following is an entry in ClinVar:

NM_001035.3(RYR2):c.8298+18_8298+21del

Gene: RYR2 (ryanodine receptor 2; plus strand). Cytogenetic location: 1q43.
Variant type: Microsatellite.
Coding change: c.8298+18_8298+21del on transcript NM_001035.3 (MANE Select); bases 18 to 21 of the intron after coding-DNA position 8298, 4 bases deleted (GTTT; older notation c.8298+18_8298+21delGTTT).
Molecular consequence: intron variant.
Genome position (GRCh38, 1-based): chr1:237,660,092-237,660,095, GTTT deleted; deleting any 4 consecutive bases within chr1:237,660,085-237,660,095 gives the same sequence; the c. name uses the placement nearest the transcript's 3' end. VCF-style (leftmost placement, unchanged base first): chr1-237660084-TTTTG-T. GRCh37 (hg19) VCF-style: chr1-237823384-TTTTG-T.
Other names: c.8298+18_8298+21delGTTT (NM_001035.2).
Identifiers: ClinVar variation 516601 (VCV000516601.10), dbSNP rs1269850855, ClinGen allele CA529547596.

ClinVar aggregate classification (germline): Likely benign. Review status: criteria provided, multiple submitters, no conflicts (2 of 4 stars). 2 submissions from 2 submitters: Likely benign (2). Last evaluated 2025-05-09.

Conditions:
Catecholaminergic polymorphic ventricular tachycardia 1. Also called: RYR2-Related Catecholaminergic Polymorphic Ventricular Tachycardia; VENTRICULAR TACHYCARDIA, CATECHOLAMINERGIC POLYMORPHIC, 1, WITH OR WITHOUT ATRIAL DYSFUNCTION AND/OR DILATED CARDIOMYOPATHY; VENTRICULAR TACHYCARDIA, STRESS-INDUCED POLYMORPHIC 1. Identifiers: Orphanet 3286, MedGen C1631597, MONDO:0011484, OMIM 604772.

Submissions (2):

Labcorp Genetics (formerly Invitae), Labcorp
Classification: Likely benign for Catecholaminergic polymorphic ventricular tachycardia 1. Last evaluated: 2025-05-09. Review status: criteria provided, single submitter. Criteria: Invitae Variant Classification Sherloc (09022015). Collection method: clinical testing. Allele origin: germline.

GeneDx
Classification: Likely benign. Last evaluated: 2018-03-06. Review status: criteria provided, single submitter. Criteria: GeneDx Variant Classification (06012015). Collection method: clinical testing. Allele origin: germline. Affected: yes.
Comment: This variant is considered likely benign or benign based on one or more of the following criteria: it is a conservative change, it occurs at a poorly conserved position in the protein, it is predicted to be benign by multiple in silico algorithms, and/or has population frequency not consistent with disease.